The following is an entry in ClinVar:

ClinVar aggregate classification (germline): Likely benign (0 of 4 stars; one submission).

Conditions:
C3AR1-related disorder. Also called: C3AR1-related condition.

Allele frequency attached by ClinVar (database versions not stated): gnomAD exomes below 0.00001.

Submission:

PreventionGenetics, part of Exact Sciences
Classification: Likely benign for C3AR1-related condition. Last evaluated: 2023-09-08. Review status: no assertion criteria provided. Collection method: clinical testing. Allele origin: germline.
Comment: This variant is classified as likely benign based on ACMG/AMP sequence variant interpretation guidelines (Richards et al. 2015 PMID: 25741868, with internal and published modifications).

NM_004054.4(C3AR1):c.1227G>A (p.Leu409=)

Gene: C3AR1 (complement C3a receptor 1; minus strand). Cytogenetic location: 12p13.31.
Variant type: single nucleotide variant.
Coding change: c.1227G>A on transcript NM_004054.4 (MANE Select); coding-DNA position 1227, G replaced by A.
Protein change: p.Leu409=; no amino-acid change (leucine 409 retained).
Molecular consequence: synonymous variant.
Genome position (GRCh38, 1-based): chr12:8,058,959, C>T on the plus strand (G>A on the coding strand, the complement: C3AR1 is on the minus strand). VCF-style: chr12-8058959-C-T. GRCh37 (hg19) VCF-style: chr12-8211555-C-T.
Other names: c.1227G>A, p.Leu409= (NM_001326475.2, NM_001326477.2).
Identifiers: ClinVar variation 3046930 (VCV003046930.2), dbSNP rs1181248763, ClinGen allele CA478528868.